The following is an entry in ClinVar:

ClinVar aggregate classification (germline): Benign (0 of 4 stars; one submission).

Conditions:
RHEX-related disorder. Also called: RHEX-related condition.

Allele frequency attached by ClinVar (database versions not stated): gnomAD exomes 0.00053; ExAC 0.00143; 1000 Genomes Project 0.00359; 1000 Genomes Project 30x 0.00375; gnomAD 0.00393; TOPMed 0.00456; ESP Exome Variant Server 0.00577.
gnomAD v4.1: 1,404 of 1,613,660 alleles (0.087%); highest among the groups gnomAD compares: African/African-American, 1.3%; 13 homozygotes.

Submission:

PreventionGenetics, part of Exact Sciences
Classification: Benign for RHEX-related condition. Last evaluated: 2019-06-03. Review status: no assertion criteria provided. Collection method: clinical testing. Allele origin: germline.
Comment: This variant is classified as benign based on ACMG/AMP sequence variant interpretation guidelines (Richards et al. 2015 PMID: 25741868, with internal and published modifications).

NM_001007544.4(RHEX):c.349G>A (p.Val117Ile)

Gene: RHEX (regulator of hemoglobinization and erythroid cell expansion; plus strand). Cytogenetic location: 1q32.1.
Variant type: single nucleotide variant.
Coding change: c.349G>A on transcript NM_001007544.4 (MANE Select); coding-DNA position 349, G replaced by A.
Protein change: p.Val117Ile; replaces valine 117 with isoleucine.
Molecular consequence: missense variant.
Genome position (GRCh38, 1-based): chr1:206,101,782, G>A. VCF-style: chr1-206101782-G-A. GRCh37 (hg19) VCF-style: chr1-206239549-C-T.
Other names: c.349G>A, p.Val117Ile (NM_001369490.1); short protein forms V117I.
Identifiers: ClinVar variation 3044239 (VCV003044239.2), dbSNP rs116565072, ClinGen allele CA1359595.
Genomic context (GRCh38, chr1:206,101,782, plus strand): 5'-TGACCCACATGTCTCTGCTTTTCTCCTAAGGCCACAGAGGATGTGGATTACACACAAGTC[G>A]TCTTTTCTGACCCTGGAGAACTAAAAAATGACTCCCCGCTGGACTATGAGAACATAAAGG-3'
Protein context (NP_001007545.1, residues 107-127): ATEDVDYTQV[Val117Ile]FSDPGELKND